The following is an entry in ClinVar:

NM_000152.5(GAA):c.1539C>G (p.Asp513Glu)

Gene: GAA (alpha glucosidase; plus strand). Cytogenetic location: 17q25.3.
Variant type: single nucleotide variant.
Coding change: c.1539C>G on transcript NM_000152.5 (MANE Select); coding-DNA position 1539, C replaced by G.
Protein change: p.Asp513Glu; replaces aspartic acid 513 with glutamic acid.
Molecular consequence: missense variant.
Genome position (GRCh38, 1-based): chr17:80,110,828, C>G. VCF-style: chr17-80110828-C-G. GRCh37 (hg19) VCF-style: chr17-78084627-C-G.
Other names: c.1539C>G, p.Asp513Glu (NM_001079803.3, NM_001079804.3, NM_001406741.1 and 1 more transcripts); short protein forms D513E.
Identifiers: ClinVar variation 4883477 (VCV004883477.3).
Genomic context (GRCh38, chr17:80,110,828, plus strand): 5'-CACAGCCCTGGCCTGGTGGGAGGACATGGTGGCTGAGTTCCATGACCAGGTGCCCTTCGA[C>G]GGCATGTGGATTGTAAGTGTGGCCCCCTCCTGAGCATCCCCAAGGCCTCTGGGGACTACC-3'
Protein context (NP_000143.2, residues 503-523): VAEFHDQVPF[Asp513Glu]GMWIDMNEPS

ClinVar aggregate classification (germline): Uncertain significance. Review status: criteria provided, multiple submitters, no conflicts (2 of 4 stars). 2 submissions from 2 submitters: Uncertain significance (2). Last evaluated 2025-12-08.

Conditions:
Glycogen storage disease, type II (IOPD). Also called: CARDIOMEGALIA GLYCOGENICA DIFFUSA; GLYCOGENOSIS, GENERALIZED, CARDIAC FORM; GSD II; Glycogen storage disease type 2; Acid maltase deficiency disease; Aglucosidase alfa. Identifiers: Orphanet 365, MedGen C0017921, MONDO:0009290, OMIM 232300.

gnomAD v4.1: 1 of 1,614,086 alleles (0.000062%); highest among the groups gnomAD compares: Non-Finnish European, 0.000085%; no homozygotes.

Submissions (2):

Dasa
Classification: Uncertain significance for Glycogen storage disease, type II. Last evaluated: 2025-12-08. Review status: criteria provided, single submitter. Criteria: DASA Assertion Criteria. Collection method: clinical testing. Allele origin: germline.
Comment: NM_000152.5(GAA):c.1539C>G (p.Asp513Glu) is a missense variant that results in the substitution of aspartic acid with glutamic acid. The affected residue or protein region has prior evidence supporting clinical relevance. This variant is rare in population databases. Computational prediction algorithms are consistent with a deleterious effect. The currently available literature and clinical evidence are not sufficient to establish a definitive association between this variant and the reported condition. Therefore, this variant is classified as a variant of uncertain significance.

Myriad Genetics, Inc.
Classification: Uncertain significance for Glycogen storage disease, type II. Last evaluated: 2025-07-28. Review status: criteria provided, single submitter. Criteria: Myriad Autosomal Dominant, Autosomal Recessive and X-Linked Classification Criteria (2023). Collection method: clinical testing. Allele origin: unknown.
Comment: NM_000152.3(GAA):c.1539C>G(D513E) is a missense variant classified as a variant of uncertain significance in the context of Pompe disease. D513E has not been observed in cases with relevant disease. Relevant functional assessments of this variant are available in the literature (PMID: 31510962). D513E has not been observed in referenced population frequency databases. In summary, there is insufficient evidence to classify NM_000152.3(GAA):c.1539C>G(D513E) as pathogenic or benign. Please note: this variant was assessed in the context of healthy population screening.

Literature cited by the submitters: PubMed 31510962 (cited by Myriad Genetics, Inc.).